The following is an entry in ClinVar:

NC_000017.10:g.(?_29541459)_(29624377_?)del

Genes: NF1 (neurofibromin 1; plus strand), OMG (oligodendrocyte myelin glycoprotein; minus strand). Cytogenetic location: 17q11.2.
Variant type: Deletion.
Identifiers: ClinVar variation 1076036 (VCV001076036.3).

ClinVar aggregate classification (germline): Pathogenic (1 of 4 stars; one submission).

Conditions:
Neurofibromatosis, type 1 (NF1). Also called: VON RECKLINGHAUSEN DISEASE; Peripheral type neurofibromatosis; NEUROFIBROMATOSIS, TYPE I, SOMATIC; Neurofibromatosis, type I. Identifiers: Orphanet 636, MedGen C0027831, MONDO:0018975, OMIM 162200. Disease mechanism: loss of function.

Submission:

Labcorp Genetics (formerly Invitae), Labcorp
Classification: Pathogenic for Neurofibromatosis, type 1. Last evaluated: 2020-08-31. Review status: criteria provided, single submitter. Criteria: Invitae Variant Classification Sherloc (09022015). Collection method: clinical testing. Allele origin: germline.
Comment: This variant is an out-of-frame deletion of the genomic region encompassing exon(s) 13-35 of the NF1 gene. This is expected to create a premature translational stop signal and result in an absent or disrupted protein product. This variant has not been reported in the literature in individuals with NF1-related conditions. Loss-of-function variants in NF1 are known to be pathogenic (PMID: 10712197, 23913538). For these reasons, this variant has been classified as Pathogenic.

Literature cited by the submitters: PubMed 10712197; PubMed 23913538.